The following is an entry in ClinVar:

ClinVar aggregate classification (germline): Uncertain significance. Review status: criteria provided, multiple submitters, no conflicts (2 of 4 stars). 3 submissions from 3 submitters: Uncertain significance (3). Last evaluated 2024-07-14.

Conditions:
Inborn genetic diseases. Identifiers: MedGen C0950123, MeSH D030342.

Allele frequency attached by ClinVar (database versions not stated): gnomAD exomes 0.00001; gnomAD 0.00005 and 0.00006; TOPMed 0.00011; 1000 Genomes Project 30x 0.00016.
gnomAD v4.1: 20 of 1,527,364 alleles (0.0013%); highest among the groups gnomAD compares: African/African-American, 0.021%; no homozygotes.

Submissions (3):

Ambry Genetics
Classification: Uncertain significance for Inborn genetic diseases. Last evaluated: 2024-07-14. Review status: criteria provided, single submitter. Criteria: Ambry Variant Classification Scheme 2023. Collection method: clinical testing. Allele origin: germline.

Labcorp Genetics (formerly Invitae), Labcorp
Classification: Uncertain significance. Last evaluated: 2022-07-29. Review status: criteria provided, single submitter. Criteria: Invitae Variant Classification Sherloc (09022015). Collection method: clinical testing. Allele origin: germline.
Comment: This sequence change replaces glutamic acid, which is acidic and polar, with valine, which is neutral and non-polar, at codon 894 of the ARHGEF18 protein (p.Glu894Val). This variant is present in population databases (no rsID available, gnomAD 0.01%). This variant has not been reported in the literature in individuals affected with ARHGEF18-related conditions. ClinVar contains an entry for this variant (Variation ID: 1410649). Algorithms developed to predict the effect of missense changes on protein structure and function are either unavailable or do not agree on the potential impact of this missense change (SIFT: "Deleterious"; PolyPhen-2: "Possibly Damaging"; Align-GVGD: "Class C0"). Algorithms developed to predict the effect of sequence changes on RNA splicing suggest that this variant may create or strengthen a splice site. In summary, the available evidence is currently insufficient to determine the role of this variant in disease. Therefore, it has been classified as a Variant of Uncertain Significance.

Blueprint Genetics
Classification: Uncertain significance. Last evaluated: 2021-11-03. Review status: criteria provided, single submitter. Criteria: ACMG Guidelines, 2015. Collection method: clinical testing. Allele origin: germline.

NM_001367823.1(ARHGEF18):c.3245A>T (p.Glu1082Val)

Gene: ARHGEF18 (Rho/Rac guanine nucleotide exchange factor 18; plus strand). Cytogenetic location: 19p13.2.
Variant type: single nucleotide variant.
Coding change: c.3245A>T on transcript NM_001367823.1 (MANE Select); coding-DNA position 3245, A replaced by T.
Protein change: p.Glu1082Val; replaces glutamic acid 1082 with valine.
Molecular consequence: missense variant.
Genome position (GRCh38, 1-based): chr19:7,467,449, A>T. VCF-style: chr19-7467449-A-T. GRCh37 (hg19) VCF-style: chr19-7532335-A-T.
Other names: c.2519A>T, p.Glu840Val (NM_001130955.2); c.2207A>T, p.Glu736Val (NM_001367824.1, NM_015318.4); c.2681A>T (NM_001130955.1); short protein forms E736V, E1082V, E840V.
Identifiers: ClinVar variation 1410649 (VCV001410649.5), dbSNP rs901784483, ClinGen allele CA304856555.